The following is an entry in ClinVar:

NM_000486.6(AQP2):c.702G>A (p.Leu234=)

Genes: AQP2 (aquaporin 2; plus strand), AQP5-AS1 (AQP5 and AQP2 antisense RNA 2; minus strand). Cytogenetic location: 12q13.12.
Variant type: single nucleotide variant.
Coding change: c.702G>A on transcript NM_000486.6 (MANE Select); coding-DNA position 702, G replaced by A.
Protein change: p.Leu234=; no amino-acid change (leucine 234 retained).
Molecular consequence: synonymous variant.
Genome position (GRCh38, 1-based): chr12:49,955,494, G>A. VCF-style: chr12-49955494-G-A. GRCh37 (hg19) VCF-style: chr12-50349277-G-A.
Identifiers: ClinVar variation 724199 (VCV000724199.15), dbSNP rs143104356, ClinGen allele CA6559345.
Genomic context (GRCh38, chr12:49,955,494, plus strand): 5'-GGGCTCCCTCCTCTACAACTACGTGCTGTTTCCGCCAGCCAAGAGCCTGTCGGAGCGCCT[G>A]GCAGTGCTGAAGGGCCTGGAGCCGGACACCGATTGGGAGGAGCGCGAGGTGCGACGGCGG-3'
Protein context (NP_000477.1, residues 224-244): FPPAKSLSER[Leu234=]AVLKGLEPDT

ClinVar aggregate classification (germline): Benign. Review status: criteria provided, multiple submitters, no conflicts (2 of 4 stars). 4 submissions from 4 submitters: Benign (2). 2 of the submissions do not count toward it. Last evaluated 2025-09-24.

Conditions:
Nephrogenic diabetes insipidus. Identifiers: Orphanet 223, MedGen C0162283, MONDO:0016383, HP:0009806.
AQP2-related disorder. Also called: AQP2-related condition.

Allele frequency attached by ClinVar (database versions not stated): gnomAD exomes 0.00007 and 0.00027; ExAC 0.00037; gnomAD 0.00111 and 0.00119; ESP Exome Variant Server 0.00115; TOPMed 0.00117; 1000 Genomes Project 0.00160; 1000 Genomes Project 30x 0.00187.

Submissions (4):

Labcorp Genetics (formerly Invitae), Labcorp
Classification: Benign. Last evaluated: 2025-09-24. Review status: criteria provided, single submitter. Criteria: Invitae Variant Classification Sherloc (09022015). Collection method: clinical testing. Allele origin: germline.

Breakthrough Genomics
Classification: Benign. Review status: criteria provided, single submitter. Criteria: ACMG Guidelines, 2015. Collection method: not provided. Allele origin: germline. Inheritance: Autosomal dominant inheritance. Affected: yes.

PreventionGenetics, part of Exact Sciences
Classification: Likely benign for AQP2-related condition. Last evaluated: 2020-01-28. Review status: no assertion criteria provided. Collection method: clinical testing. Allele origin: germline. Not counted in ClinVar's aggregate classification.
Comment: This variant is classified as likely benign based on ACMG/AMP sequence variant interpretation guidelines (Richards et al. 2015 PMID: 25741868, with internal and published modifications).

Natera, Inc.
Classification: Uncertain significance for Nephrogenic diabetes insipidus. Last evaluated: 2020-01-17. Review status: no assertion criteria provided. Collection method: clinical testing. Allele origin: germline. Not counted in ClinVar's aggregate classification.